The following is an entry in ClinVar:

ClinVar aggregate classification (germline): Uncertain significance. Review status: criteria provided, multiple submitters, no conflicts (2 of 4 stars). 3 submissions from 3 submitters: Uncertain significance (2). 1 of the submissions does not count toward it. Last evaluated 2022-08-19.

Conditions:
Maturity-onset diabetes of the young (MODY). Also called: Maturity onset diabetes mellitus in young. Identifiers: Orphanet 552, MedGen C0342276, MONDO:0018911, HP:0004904.

Submissions (3):

Labcorp Genetics (formerly Invitae), Labcorp
Classification: Uncertain significance. Last evaluated: 2022-08-19. Review status: criteria provided, single submitter. Criteria: Invitae Variant Classification Sherloc (09022015). Collection method: clinical testing. Allele origin: germline.
Comment: This variant has not been reported in the literature in individuals affected with HNF1B-related conditions. This sequence change replaces serine, which is neutral and polar, with threonine, which is neutral and polar, at codon 353 of the HNF1B protein (p.Ser353Thr). This variant is not present in population databases (gnomAD no frequency). ClinVar contains an entry for this variant (Variation ID: 598410). Algorithms developed to predict the effect of missense changes on protein structure and function (SIFT, PolyPhen-2, Align-GVGD) all suggest that this variant is likely to be tolerated. In summary, the available evidence is currently insufficient to determine the role of this variant in disease. Therefore, it has been classified as a Variant of Uncertain Significance.

Eurofins Ntd Llc (ga)
Classification: Uncertain significance. Last evaluated: 2018-08-16. Review status: criteria provided, single submitter. Criteria: EGL ClinVar v180209 classification definitions. Collection method: clinical testing. Allele origin: germline. Observed: 1 variant allele, 1 heterozygote.

Clinical Genomics, Uppaluri K&H Personalized Medicine Clinic
Classification: Likely risk allele for Maturity-onset diabetes of the young. Review status: flagged submission. Criteria: K & H Uppaluri Personalized Medicine Clinic Variant Classification & Assertion Criteria_Updated V.1. Collection method: research. Allele origin: unknown. Inheritance: Autosomal dominant inheritance. Not counted in ClinVar's aggregate classification.
Comment: HNF1B gene mutations are associated with early onset diabetes and pancreatic atrophy. It is also associated with multiple renal manifestations including renal cysts, Tubulointerstitial disease, glomerulocystic disease, renal hypoplasia, hypomagnesemia. However no sufficient evidence is found to ascertain the role of this particular variant rs1568645763, yet.
ClinVar note: Notes: Lab calls the variant likely risk allele but says "no sufficient evidence is found to ascertain the role of this particular variant”.
ClinVar note: Reason: Claim with insufficient supporting evidence

Literature cited by the submitters: PubMed 24897035 (cited by Clinical Genomics, Uppaluri K&H Personalized Medicine Clinic); PubMed 25536396 (cited by Clinical Genomics, Uppaluri K&H Personalized Medicine Clinic); PubMed 27615128 (cited by Clinical Genomics, Uppaluri K&H Personalized Medicine Clinic); PubMed 28215227 (cited by Clinical Genomics, Uppaluri K&H Personalized Medicine Clinic); PubMed 33434175 (cited by Clinical Genomics, Uppaluri K&H Personalized Medicine Clinic); PubMed 25741167 (cited by Clinical Genomics, Uppaluri K&H Personalized Medicine Clinic); PubMed 26340261 (cited by Clinical Genomics, Uppaluri K&H Personalized Medicine Clinic); PubMed 19639018 (cited by Clinical Genomics, Uppaluri K&H Personalized Medicine Clinic).

NM_000458.4(HNF1B):c.1058G>C (p.Ser353Thr)

Gene: HNF1B (HNF1 homeobox B; minus strand). Cytogenetic location: 17q12.
Variant type: single nucleotide variant.
Coding change: c.1058G>C on transcript NM_000458.4 (MANE Select); coding-DNA position 1058, G replaced by C.
Protein change: p.Ser353Thr; replaces serine 353 with threonine.
Molecular consequence: missense variant.
Genome position (GRCh38, 1-based): chr17:37,710,651, C>G on the plus strand (G>C on the coding strand, the complement: HNF1B is on the minus strand). VCF-style: chr17-37710651-C-G. GRCh37 (hg19) VCF-style: chr17-36070659-C-G.
Other names: c.980G>C, p.Ser327Thr (NM_001165923.4, NM_001304286.2); short protein forms S353T, S327T.
Identifiers: ClinVar variation 598410 (VCV000598410.10), dbSNP rs1568645763, ClinGen allele CA398759968.
Genomic context (GRCh38, chr17:37,710,651, plus strand): 5'-GCGCTGTTGCCATGGTGACTGATTGTTGAGGAGGAAGTGATCTCATTGTTTCCCTGCTGG[C>G]TGTAGCGCACTCCTGCAAAACAACACAAACCCAGTAGGGAACATTAGTGCCACCAGGGTC-3'
Protein context (NP_000449.1, residues 343-363): PPNKLSGVRY[Ser353Thr]QQGNNEITSS